The following is an entry in ClinVar:

ClinVar aggregate classification (germline): Uncertain significance (1 of 4 stars; one submission).

Allele frequency attached by ClinVar (database versions not stated): ExAC 0.00002; gnomAD 0.00007; TOPMed 0.00014.
gnomAD v4.1: 49 of 1,613,116 alleles (0.003%); highest among the groups gnomAD compares: Admixed American, 0.027%; no homozygotes.

Submission:

Labcorp Genetics (formerly Invitae), Labcorp
Classification: Uncertain significance. Last evaluated: 2022-10-17. Review status: criteria provided, single submitter. Criteria: Invitae Variant Classification Sherloc (09022015). Collection method: clinical testing. Allele origin: germline.
Comment: This sequence change replaces aspartic acid, which is acidic and polar, with asparagine, which is neutral and polar, at codon 367 of the SLC24A5 protein (p.Asp367Asn). This variant is present in population databases (rs775030415, gnomAD 0.006%). This variant has not been reported in the literature in individuals affected with SLC24A5-related conditions. Advanced modeling of protein sequence and biophysical properties (such as structural, functional, and spatial information, amino acid conservation, physicochemical variation, residue mobility, and thermodynamic stability) performed at Invitae indicates that this missense variant is not expected to disrupt SLC24A5 protein function. In summary, the available evidence is currently insufficient to determine the role of this variant in disease. Therefore, it has been classified as a Variant of Uncertain Significance.

NM_205850.3(SLC24A5):c.1099G>A (p.Asp367Asn)

Genes: MYEF2 (myelin expression factor 2; minus strand), SLC24A5 (solute carrier family 24 member 5; plus strand). Cytogenetic location: 15q21.1.
Variant type: single nucleotide variant.
Coding change: c.1099G>A on transcript NM_205850.3 (MANE Select); coding-DNA position 1099, G replaced by A.
Protein change: p.Asp367Asn; replaces aspartic acid 367 with asparagine.
Molecular consequence: missense variant. On other transcripts: 3 prime UTR variant (2).
Genome position (GRCh38, 1-based): chr15:48,141,133, G>A. VCF-style: chr15-48141133-G-A. GRCh37 (hg19) VCF-style: chr15-48433330-G-A.
Other names: c.*1775C>T (NM_001301210.2, NM_016132.5); short protein forms D367N.
Identifiers: ClinVar variation 2196969 (VCV002196969.1), dbSNP rs775030415, ClinGen allele CA7546054.